The following is an entry in ClinVar:

ClinVar aggregate classification (germline): Conflicting classifications of pathogenicity. Review status: criteria provided, conflicting classifications (1 of 4 stars). 4 submissions from 4 submitters: Uncertain significance (1); Benign (1); Likely benign (1). 1 of the submissions does not count toward it. Last evaluated 2025-08-18.

Conditions:
ITGB4-related disorder. Also called: ITGB4-related condition.

Allele frequency attached by ClinVar (database versions not stated): 1000 Genomes Project 0.00020; gnomAD exomes 0.00047 and 0.00030; gnomAD 0.00044 and 0.00040; TOPMed 0.00013; ExAC 0.00043; 1000 Genomes Project 30x 0.00016.
gnomAD v4.1: 494 of 1,612,368 alleles (0.031%); highest among the groups gnomAD compares: Non-Finnish European, 0.024%; no homozygotes.

Submissions (4):

Labcorp Genetics (formerly Invitae), Labcorp
Classification: Benign. Last evaluated: 2025-08-18. Review status: criteria provided, single submitter. Criteria: Invitae Variant Classification Sherloc (09022015). Collection method: clinical testing. Allele origin: germline.

Blueprint Genetics
Classification: Likely benign. Last evaluated: 2024-11-13. Review status: criteria provided, single submitter. Criteria: ACMG Guidelines, 2015. Collection method: clinical testing. Allele origin: germline.

CeGaT Center for Human Genetics Tuebingen
Classification: Uncertain significance. Last evaluated: 2020-12-01. Review status: criteria provided, single submitter. Criteria: CeGaT Center For Human Genetics Tuebingen Variant Classification Criteria Version 2. Collection method: clinical testing. Allele origin: germline. Affected: yes. Observed: 1 variant allele.

PreventionGenetics, part of Exact Sciences
Classification: Likely benign for ITGB4-related condition. Last evaluated: 2022-12-19. Review status: no assertion criteria provided. Collection method: clinical testing. Allele origin: germline. Not counted in ClinVar's aggregate classification.
Comment: This variant is classified as likely benign based on ACMG/AMP sequence variant interpretation guidelines (Richards et al. 2015 PMID: 25741868, with internal and published modifications).

NM_000213.5(ITGB4):c.5219-3C>T

Genes: GALK1 (galactokinase 1; minus strand), ITGB4 (integrin subunit beta 4; plus strand). Cytogenetic location: 17q25.1.
Variant type: single nucleotide variant.
Coding change: c.5219-3C>T on transcript NM_000213.5 (MANE Select); 3 bases into the intron before coding-DNA position 5219, C replaced by T.
Molecular consequence: intron variant.
Genome position (GRCh38, 1-based): chr17:75,757,197, C>T. VCF-style: chr17-75757197-C-T. GRCh37 (hg19) VCF-style: chr17-73753278-C-T.
Other names: c.5168-3C>T (NM_001005619.2); c.5009-3C>T (NM_001005731.3, NM_001321123.2); c.4859-3C>T (NM_001438834.1); c.*22+837G>A (NM_001381985.1).
Identifiers: ClinVar variation 1012432 (VCV001012432.42), dbSNP rs200010813, ClinGen allele CA8770522.